The following is an entry in ClinVar:

ClinVar aggregate classification (germline): Uncertain significance. Review status: criteria provided, multiple submitters, no conflicts (2 of 4 stars). 2 submissions from 2 submitters: Uncertain significance (2). Last evaluated 2024-06-03.

Conditions:
TH-deficient dopa-responsive dystonia. Also called: DYT-TH; Tyrosine Hydroxylase-Deficient Dopa-Responsive Dystonia; Segawa syndrome, autosomal recessive. Identifiers: Orphanet 101150, MedGen C2673535, MONDO:0011551, OMIM 605407.

Allele frequency attached by ClinVar (database versions not stated): gnomAD 0.00004.
gnomAD v4.1: 23 of 1,611,542 alleles (0.0014%); highest among the groups gnomAD compares: Non-Finnish European, 0.00051%; no homozygotes.

Submissions (2):

Labcorp Genetics (formerly Invitae), Labcorp
Classification: Uncertain significance for TH-deficient dopa-responsive dystonia. Last evaluated: 2024-06-03. Review status: criteria provided, single submitter. Criteria: Invitae Variant Classification Sherloc (09022015). Collection method: clinical testing. Allele origin: germline.
Comment: This sequence change replaces glycine, which is neutral and non-polar, with tryptophan, which is neutral and slightly polar, at codon 33 of the TH protein (p.Gly33Trp). This variant is present in population databases (rs746965239, gnomAD 0.02%). This variant has not been reported in the literature in individuals affected with TH-related conditions. ClinVar contains an entry for this variant (Variation ID: 806599). Advanced modeling of protein sequence and biophysical properties (such as structural, functional, and spatial information, amino acid conservation, physicochemical variation, residue mobility, and thermodynamic stability) has been performed at Invitae for this missense variant, however the output from this modeling did not meet the statistical confidence thresholds required to predict the impact of this variant on TH protein function. In summary, the available evidence is currently insufficient to determine the role of this variant in disease. Therefore, it has been classified as a Variant of Uncertain Significance.

CeGaT Center for Human Genetics Tuebingen
Classification: Uncertain significance. Last evaluated: 2016-08-01. Review status: criteria provided, single submitter. Criteria: CeGaT Center For Human Genetics Tuebingen Variant Classification Criteria Version 2. Collection method: clinical testing. Allele origin: germline. Affected: yes. Observed: 1 variant allele.

NM_000360.4(TH):c.90+7G>T

Gene: TH (tyrosine hydroxylase; minus strand). Cytogenetic location: 11p15.5.
Variant type: single nucleotide variant.
Coding change: c.90+7G>T on transcript NM_000360.4 (MANE Select); 7 bases into the intron after coding-DNA position 90, G replaced by T.
Molecular consequence: intron variant. On other transcripts: missense variant (1).
Genome position (GRCh38, 1-based): chr11:2,171,690, C>A on the plus strand (G>T on the coding strand, the complement: TH is on the minus strand). VCF-style: chr11-2171690-C-A. GRCh37 (hg19) VCF-style: chr11-2192920-C-A.
Other names: c.97G>T, p.Gly33Trp (NM_199292.3); c.90+7G>T (NM_199293.3); short protein forms G33W.
Identifiers: ClinVar variation 806599 (VCV000806599.49), dbSNP rs746965239, ClinGen allele CA5818865.